The following is an entry in ClinVar:

NM_006939.4(SOS2):c.1175A>G (p.Tyr392Cys)

Gene: SOS2 (SOS Ras/Rho guanine nucleotide exchange factor 2; minus strand). Cytogenetic location: 14q21.3.
Variant type: single nucleotide variant.
Coding change: c.1175A>G on transcript NM_006939.4 (MANE Select); coding-DNA position 1175, A replaced by G.
Protein change: p.Tyr392Cys; replaces tyrosine 392 with cysteine.
Molecular consequence: missense variant.
Genome position (GRCh38, 1-based): chr14:50,161,503, T>C on the plus strand (A>G on the coding strand, the complement: SOS2 is on the minus strand). VCF-style: chr14-50161503-T-C. GRCh37 (hg19) VCF-style: chr14-50628221-T-C.
Other names: short protein forms Y392C.
Identifiers: ClinVar variation 426310 (VCV000426310.5), dbSNP rs1085307558, ClinGen allele CA389646398.

ClinVar aggregate classification (germline): Uncertain significance. Review status: criteria provided, multiple submitters, no conflicts (2 of 4 stars). 2 submissions from 2 submitters: Uncertain significance (2). Last evaluated 2023-10-04.

Conditions:
Noonan syndrome 9 (NS9). Identifiers: Orphanet 648, MedGen C4225282, MONDO:0014691, OMIM 616559.

Submissions (2):

Labcorp Genetics (formerly Invitae), Labcorp
Classification: Uncertain significance for Noonan syndrome 9. Last evaluated: 2023-10-04. Review status: criteria provided, single submitter. Criteria: Invitae Variant Classification Sherloc (09022015). Collection method: clinical testing. Allele origin: germline.
Comment: This sequence change replaces tyrosine, which is neutral and polar, with cysteine, which is neutral and slightly polar, at codon 392 of the SOS2 protein (p.Tyr392Cys). This variant is not present in population databases (gnomAD no frequency). This variant has not been reported in the literature in individuals affected with SOS2-related conditions. ClinVar contains an entry for this variant (Variation ID: 426310). Advanced modeling of protein sequence and biophysical properties (such as structural, functional, and spatial information, amino acid conservation, physicochemical variation, residue mobility, and thermodynamic stability) performed at Invitae indicates that this missense variant is not expected to disrupt SOS2 protein function. In summary, the available evidence is currently insufficient to determine the role of this variant in disease. Therefore, it has been classified as a Variant of Uncertain Significance.

GeneDx
Classification: Uncertain significance. Last evaluated: 2017-04-20. Review status: criteria provided, single submitter. Criteria: GeneDx Variant Classification (06012015). Collection method: clinical testing. Allele origin: germline. Affected: yes.
Comment: The Y392C variant in the SOS2 gene has not been reported previously as a pathogenic variant, nor as a benign variant, to our knowledge. The Y392C variant is not observed in large population cohorts (Lek et al., 2016; 1000 Genomes Consortium et al., 2015; Exome Variant Server). The Y392C variant is a non-conservative amino acid substitution, which is likely to impact secondary protein structure as these residues differ in polarity, charge, size and/or other properties. This substitution occurs at a position that is not conserved and not within a known functional or structural domain. In silico analysis is inconsistent in its predictions as to whether or not the variant is damaging to the protein structure/function. We interpret Y392C as a variant of uncertain significance.